The following is an entry in ClinVar:

NM_014000.3(VCL):c.1735T>G (p.Ser579Ala)

Gene: VCL (vinculin; plus strand). Cytogenetic location: 10q22.2.
Variant type: single nucleotide variant.
Coding change: c.1735T>G on transcript NM_014000.3 (MANE Select); coding-DNA position 1735, T replaced by G.
Protein change: p.Ser579Ala; replaces serine 579 with alanine.
Molecular consequence: missense variant.
Genome position (GRCh38, 1-based): chr10:74,095,847, T>G. VCF-style: chr10-74095847-T-G. GRCh37 (hg19) VCF-style: chr10-75855605-T-G.
Other names: c.1735T>G, p.Ser579Ala (NM_003373.4); short protein forms S579A.
Identifiers: ClinVar variation 2756086 (VCV002756086.3), dbSNP rs2549226682, ClinGen allele CA377275323.

ClinVar aggregate classification (germline): Uncertain significance (1 of 4 stars; one submission).

Conditions:
Dilated cardiomyopathy 1W (CMD1W). Identifiers: Orphanet 154, MedGen C1969639, MONDO:0012667, OMIM 611407.

Submission:

Labcorp Genetics (formerly Invitae), Labcorp
Classification: Uncertain significance for Dilated cardiomyopathy 1W. Last evaluated: 2023-08-28. Review status: criteria provided, single submitter. Criteria: Invitae Variant Classification Sherloc (09022015). Collection method: clinical testing. Allele origin: germline.
Comment: An algorithm developed to predict the effect of missense changes on protein structure and function (PolyPhen-2) suggests that this variant is likely to be tolerated. In summary, the available evidence is currently insufficient to determine the role of this variant in disease. Therefore, it has been classified as a Variant of Uncertain Significance. This variant has not been reported in the literature in individuals affected with VCL-related conditions. This variant is not present in population databases (gnomAD no frequency). This sequence change replaces serine, which is neutral and polar, with alanine, which is neutral and non-polar, at codon 579 of the VCL protein (p.Ser579Ala).